The following is an entry in ClinVar:

NM_006502.3(POLH):c.2018T>C (p.Val673Ala)

Gene: POLH (DNA polymerase eta; plus strand). Cytogenetic location: 6p21.1.
Variant type: single nucleotide variant.
Coding change: c.2018T>C on transcript NM_006502.3 (MANE Select); coding-DNA position 2018, T replaced by C.
Protein change: p.Val673Ala; replaces valine 673 with alanine.
Molecular consequence: missense variant. On other transcripts: 3 prime UTR variant (1).
Genome position (GRCh38, 1-based): chr6:43,614,433, T>C. VCF-style: chr6-43614433-T-C. GRCh37 (hg19) VCF-style: chr6-43582170-T-C.
Other names: c.1646T>C, p.Val549Ala (NM_001291969.2); c.*702T>C (NM_001291970.2); short protein forms V549A, V673A.
Identifiers: ClinVar variation 4881219 (VCV004881219.2).

ClinVar aggregate classification (germline): Uncertain significance (1 of 4 stars; one submission).

gnomAD v4.1: 39 of 1,614,046 alleles (0.0024%); highest among the groups gnomAD compares: Non-Finnish European, 0.0032%; no homozygotes.

Submission:

Dasa
Classification: Uncertain significance. Last evaluated: 2025-07-06. Review status: criteria provided, single submitter. Criteria: DASA Assertion Criteria. Collection method: clinical testing. Allele origin: germline.
Comment: NM_006502.3(POLH):c.2018T>C (p.Val673Ala) is a missense variant that results in the substitution of valine with alanine. This variant is rare in population databases. Computational prediction algorithms are consistent with a benign effect. The currently available literature and clinical evidence are not sufficient to establish a definitive association between this variant and the reported condition. Therefore, this variant is classified as a variant of uncertain significance.